The following is an entry in ClinVar:

ClinVar aggregate classification (germline): Pathogenic (1 of 4 stars; one submission).

Submission:

GeneDx
Classification: Pathogenic. Last evaluated: 2017-11-09. Review status: criteria provided, single submitter. Criteria: GeneDx Variant Classification (06012015). Collection method: clinical testing. Allele origin: germline. Affected: yes.
Comment: The W351X variant in the CHD2 gene has not been reported previously as a pathogenic variant nor as a benign variant, to our knowledge. This variant is predicted to cause loss of normal protein function either through protein truncation or nonsense-mediated mRNA decay. The W351X variant is not observed in large population cohorts (Lek et al., 2016). We interpret W351X as a pathogenic variant.

NM_001271.4(CHD2):c.1052G>A (p.Trp351Ter)

Gene: CHD2 (chromodomain helicase DNA binding protein 2; plus strand). Cytogenetic location: 15q26.1.
Variant type: single nucleotide variant.
Coding change: c.1052G>A on transcript NM_001271.4 (MANE Select); coding-DNA position 1052, G replaced by A.
Protein change: p.Trp351Ter; replaces tryptophan 351 with a stop codon.
Molecular consequence: nonsense.
Genome position (GRCh38, 1-based): chr15:92,943,068, G>A. VCF-style: chr15-92943068-G-A. GRCh37 (hg19) VCF-style: chr15-93486298-G-A.
Other names: c.1052G>A, p.Trp351Ter (NM_001042572.3); short protein forms W351*.
Identifiers: ClinVar variation 489111 (VCV000489111.2), dbSNP rs1555439557, ClinGen allele CA393902344.
Genomic context (GRCh38, chr15:92,943,068, plus strand): 5'-AAGTGAAGGGCCTAAAAAAACTAGAGAACTTCAAGAAAAAAGAGGACGAAATCAAACAAT[G>A]GTATATTTTCCATCATGGATTAAAGAAATGTATTTGCAGCCTGAAAGAAGGGAAGGTTTT-3'